The following is an entry in ClinVar:

ClinVar aggregate classification (germline): Uncertain significance (1 of 4 stars; one submission).

gnomAD v4.1: 1 of 1,614,092 alleles (0.000062%); highest among the groups gnomAD compares: Non-Finnish European, 0.000085%; no homozygotes.

Submission:

Labcorp Genetics (formerly Invitae), Labcorp
Classification: Uncertain significance. Last evaluated: 2025-10-24. Review status: criteria provided, single submitter. Criteria: Invitae Variant Classification Sherloc (09022015). Collection method: clinical testing. Allele origin: germline.
Comment: This sequence change replaces histidine, which is basic and polar, with aspartic acid, which is acidic and polar, at codon 572 of the CFI protein (p.His572Asp). This variant is not present in population databases (gnomAD no frequency). This missense change has been observed in individual(s) with age-related macular degeneration (PMID: 38852887). Invitae Evidence Modeling of protein sequence and biophysical properties (such as structural, functional, and spatial information, amino acid conservation, physicochemical variation, residue mobility, and thermodynamic stability) indicates that this missense variant is expected to disrupt CFI protein function with a positive predictive value of 80%. In summary, the available evidence is currently insufficient to determine the role of this variant in disease. Therefore, it has been classified as a Variant of Uncertain Significance.

Literature cited by the submitters: PubMed 38852887.

NM_000204.5(CFI):c.1714C>G (p.His572Asp)

Gene: CFI (complement factor I; minus strand). Cytogenetic location: 4q25.
Variant type: single nucleotide variant.
Coding change: c.1714C>G on transcript NM_000204.5 (MANE Select); coding-DNA position 1714, C replaced by G.
Protein change: p.His572Asp; replaces histidine 572 with aspartic acid.
Molecular consequence: missense variant. On other transcripts: 3 prime UTR variant (2), non-coding transcript variant (3), intron variant (7).
Genome position (GRCh38, 1-based): chr4:109,740,931, G>C on the plus strand (C>G on the coding strand, the complement: CFI is on the minus strand). VCF-style: chr4-109740931-G-C. GRCh37 (hg19) VCF-style: chr4-110662087-G-C.
Other names: c.1738C>G, p.His580Asp (NM_001318057.2); c.1693C>G, p.His565Asp (NM_001331035.2); c.1657C>G, p.His553Asp (NM_001375283.1); c.1105C>G, p.His369Asp (NM_001375284.1); c.1735C>G, p.His579Asp (NM_001440986.1); c.*414C>G (NM_001440989.1, NM_001440991.1); c.1513+1560C>G (NM_001375282.1, NM_001375280.1); c.1534+1560C>G (NM_001375281.1, NM_001375279.1); and 2 more; short protein forms H369D, H572D, H579D, H553D, H565D, H580D.
Identifiers: ClinVar variation 4715497 (VCV004715497.1).
Genomic context (GRCh38, chr4:109,740,931, plus strand): 5'-AATGAAGAGAGAGATCACAATTTTATACATTGTACTGAGAAATAAAAGGCCTTCCTACAT[G>C]GTAGCTAATCCAGTCAAAATAATTGGCCACTTTGGTGTAAACACCTGGGAACTCTGGTTT-3'
Protein context (NP_000195.3, residues 562-582): VANYFDWISY[His572Asp]VGRPFISQYN